The following is an entry in ClinVar:

NM_016417.3(GLRX5):c.382A>G (p.Met128Val)

Gene: GLRX5 (glutaredoxin 5; plus strand). Cytogenetic location: 14q32.13.
Variant type: single nucleotide variant.
Coding change: c.382A>G on transcript NM_016417.3 (MANE Select); coding-DNA position 382, A replaced by G.
Protein change: p.Met128Val; replaces methionine 128 with valine.
Molecular consequence: missense variant.
Genome position (GRCh38, 1-based): chr14:95,544,033, A>G. VCF-style: chr14-95544033-A-G. GRCh37 (hg19) VCF-style: chr14-96010370-A-G.
Other names: short protein forms M128V.
Identifiers: ClinVar variation 3100343 (VCV003100343.3), dbSNP rs556320353, ClinGen allele CA7333957.

ClinVar aggregate classification (germline): Uncertain significance. Review status: criteria provided, multiple submitters, no conflicts (2 of 4 stars). 3 submissions from 3 submitters: Uncertain significance (3). Last evaluated 2026-09-17.

Conditions:
GLRX5-related disorder. Also called: GLRX5-related condition.

Allele frequency attached by ClinVar (database versions not stated): gnomAD exomes 0.00001; ExAC 0.00002; gnomAD 0.00007; TOPMed 0.00012; 1000 Genomes Project 30x 0.00016; 1000 Genomes Project 0.00020.

Submissions (3):

PreventionGenetics, part of Exact Sciences
Classification: Uncertain significance for GLRX5-related condition. Last evaluated: 2026-09-17. Review status: criteria provided, single submitter. Criteria: ACMG Guidelines, 2015. Collection method: clinical testing. Allele origin: germline.
Comment: The GLRX5 c.382A>G variant is predicted to result in the amino acid substitution p.Met128Val. To our knowledge, this variant has not been reported in the literature. This variant is reported in 0.011% of alleles in individuals of Latino descent in gnomAD. An alternate missense change at the same amino acid position (p.Met128Thr) has been reported in an individual with childhood onset spasticity with hyperglycinemia (Elliott et al. 2022. PubMed ID: 35599849) and another alternate missense change (p.Met128Lys) has been reported in an individual with mild sideroblastic anemia (Fouquet et al. 2019. PubMed ID: 31338833). At this time, the clinical significance of this p.Met128Val variant is uncertain due to the absence of conclusive functional and genetic evidence.

Labcorp Genetics (formerly Invitae), Labcorp
Classification: Uncertain significance. Last evaluated: 2025-10-18. Review status: criteria provided, single submitter. Criteria: Invitae Variant Classification Sherloc (09022015). Collection method: clinical testing. Allele origin: germline.
Comment: This sequence change replaces methionine, which is neutral and non-polar, with valine, which is neutral and non-polar, at codon 128 of the GLRX5 protein (p.Met128Val). This variant is present in population databases (rs556320353, gnomAD 0.01%). This variant has not been reported in the literature in individuals affected with GLRX5-related conditions. ClinVar contains an entry for this variant (Variation ID: 3100343). An algorithm developed to predict the effect of missense changes on protein structure and function (PolyPhen-2) suggests that this variant is likely to be disruptive. In summary, the available evidence is currently insufficient to determine the role of this variant in disease. Therefore, it has been classified as a Variant of Uncertain Significance.

Ambry Genetics
Classification: Uncertain significance. Last evaluated: 2024-01-12. Review status: criteria provided, single submitter. Criteria: Ambry Variant Classification Scheme 2023. Collection method: clinical testing. Allele origin: germline.